The following is an entry in ClinVar:

ClinVar aggregate classification (germline): Uncertain significance (1 of 4 stars; one submission).

gnomAD v4.1: 10 of 1,549,282 alleles (0.00065%); highest among the groups gnomAD compares: African/African-American, 0.014%; no homozygotes.

Submission:

ARUP Laboratories, Molecular Genetics and Genomics, ARUP Laboratories
Classification: Uncertain significance. Last evaluated: 2025-06-20. Review status: criteria provided, single submitter. Criteria: ARUP Molecular Germline Variant Investigation Process 2024. Collection method: clinical testing. Allele origin: germline.
Comment: The HSPG2 c.4740+6C>T variant (rs898336865), to our knowledge, is not reported in the medical literature or gene specific databases. This variant is only observed on three alleles in the Genome Aggregation Database (v2.1.1), indicating it is not a common polymorphism. This is an intronic variant and computational analyses (Alamut Visual Plus v.1.12) predict that this variant does not alter splicing. However, since this variant is located within the minimal splice region, the clinical significance of this variant is uncertain at this time.

NM_005529.7(HSPG2):c.4740+6C>T

Gene: HSPG2 (heparan sulfate proteoglycan 2; minus strand). Cytogenetic location: 1p36.12.
Variant type: single nucleotide variant.
Coding change: c.4740+6C>T on transcript NM_005529.7 (MANE Select); 6 bases into the intron after coding-DNA position 4740, C replaced by T.
Molecular consequence: intron variant.
Genome position (GRCh38, 1-based): chr1:21,864,094, G>A on the plus strand (C>T on the coding strand, the complement: HSPG2 is on the minus strand). VCF-style: chr1-21864094-G-A. GRCh37 (hg19) VCF-style: chr1-22190587-G-A.
Other names: c.4743+6C>T (NM_001291860.2).
Identifiers: ClinVar variation 4685909 (VCV004685909.1).